The following is an entry in ClinVar:

NM_001283009.2(RTEL1):c.709G>A (p.Ala237Thr)

Genes: RTEL1 (regulator of telomere elongation helicase 1; plus strand), RTEL1-TNFRSF6B (RTEL1-TNFRSF6B readthrough (NMD candidate); plus strand). Cytogenetic location: 20q13.33.
Variant type: single nucleotide variant.
Coding change: c.709G>A on transcript NM_001283009.2 (MANE Select); coding-DNA position 709, G replaced by A.
Protein change: p.Ala237Thr; replaces alanine 237 with threonine.
Molecular consequence: missense variant. On other transcripts: non-coding transcript variant (1).
Genome position (GRCh38, 1-based): chr20:63,672,565, G>A. VCF-style: chr20-63672565-G-A. GRCh37 (hg19) VCF-style: chr20-62303918-G-A.
Other names: c.40G>A, p.Ala14Thr (NM_001283010.1); c.709G>A, p.Ala237Thr (NM_016434.4); c.781G>A, p.Ala261Thr (NM_032957.5); c.781G>A (NM_032957.4); short protein forms A237T, A14T, A261T.
Identifiers: ClinVar variation 1379847 (VCV001379847.7), dbSNP rs1023502136, ClinGen allele CA317495280.

ClinVar aggregate classification (germline): Uncertain significance. Review status: criteria provided, multiple submitters, no conflicts (2 of 4 stars). 3 submissions from 3 submitters: Uncertain significance (3). Last evaluated 2025-05-13.

Conditions:
Dyskeratosis congenita, autosomal recessive 5 (DKCB5). Identifiers: MedGen C3554656, MONDO:0014076, OMIM 615190.
Pulmonary fibrosis and/or bone marrow failure, Telomere-related, 3. Also called: PULMONARY FIBROSIS AND/OR BONE MARROW FAILURE SYNDROME, TELOMERE-RELATED, 3. Identifiers: Orphanet 2032, MedGen C4225346, MONDO:0014613, OMIM 616373.
Inborn genetic diseases. Identifiers: MedGen C0950123, MeSH D030342.

Allele frequency attached by ClinVar (database versions not stated): gnomAD exomes 0.00003; TOPMed 0.00002.
gnomAD v4.1: 12 of 1,582,148 alleles (0.00076%); highest among the groups gnomAD compares: Admixed American, 0.011%; no homozygotes.

Submissions (3):

Labcorp Genetics (formerly Invitae), Labcorp
Classification: Uncertain significance for Dyskeratosis congenita, autosomal recessive 5; Pulmonary fibrosis and/or bone marrow failure, Telomere-related, 3. Last evaluated: 2025-05-13. Review status: criteria provided, single submitter. Criteria: Invitae Variant Classification Sherloc (09022015). Collection method: clinical testing. Allele origin: germline.
Comment: This sequence change replaces alanine, which is neutral and non-polar, with threonine, which is neutral and polar, at codon 237 of the RTEL1 protein (p.Ala237Thr). The frequency data for this variant in the population databases is considered unreliable, as metrics indicate poor data quality at this position in the gnomAD database. This variant has not been reported in the literature in individuals affected with RTEL1-related conditions. ClinVar contains an entry for this variant (Variation ID: 1379847). An algorithm developed to predict the effect of missense changes on protein structure and function (PolyPhen-2) suggests that this variant is likely to be disruptive. In summary, the available evidence is currently insufficient to determine the role of this variant in disease. Therefore, it has been classified as a Variant of Uncertain Significance.

Fulgent Genetics
Classification: Uncertain significance for Dyskeratosis congenita, autosomal recessive 5; Pulmonary fibrosis and/or bone marrow failure, Telomere-related, 3. Last evaluated: 2024-01-31. Review status: criteria provided, single submitter. Criteria: ACMG Guidelines, 2015. Collection method: clinical testing. Allele origin: germline.

Ambry Genetics
Classification: Uncertain significance for Inborn genetic diseases. Last evaluated: 2022-11-18. Review status: criteria provided, single submitter. Criteria: Ambry Variant Classification Scheme 2023. Collection method: clinical testing. Allele origin: germline.